The following is an entry in ClinVar:

NM_001042492.3(NF1):c.7189G>A (p.Gly2397Arg)

Gene: NF1 (neurofibromin 1; plus strand). Cytogenetic location: 17q11.2.
Variant type: single nucleotide variant.
Coding change: c.7189G>A on transcript NM_001042492.3 (MANE Select); coding-DNA position 7189, G replaced by A.
Protein change: p.Gly2397Arg; replaces glycine 2397 with arginine.
Molecular consequence: missense variant.
Genome position (GRCh38, 1-based): chr17:31,343,135, G>A. VCF-style: chr17-31343135-G-A. GRCh37 (hg19) VCF-style: chr17-29670153-G-A.
Other names: c.7126G>A, p.Gly2376Arg (NM_000267.4); short protein forms G2376R, G2397R.
Identifiers: ClinVar variation 431686 (VCV000431686.19), dbSNP rs1135402900, ClinGen allele CA399015790.

ClinVar aggregate classification (germline): Pathogenic/Likely pathogenic. Review status: criteria provided, multiple submitters, no conflicts (2 of 4 stars). 10 submissions from 10 submitters: Pathogenic (4); Likely pathogenic (6). Last evaluated 2026-07-01.

Conditions:
Hereditary cancer-predisposing syndrome. Also called: Hereditary neoplastic syndrome; Neoplastic Syndromes, Hereditary; Hereditary Cancer Syndrome; Tumor predisposition. Identifiers: Orphanet 140162, MedGen C0027672, MeSH D009386, MONDO:0015356.
Cardiovascular phenotype. Identifiers: MedGen CN230736.
Neurofibromatosis, type 1 (NF1). Also called: Peripheral type neurofibromatosis; Neurofibromatosis, type I; NEUROFIBROMATOSIS, TYPE I, SOMATIC; VON RECKLINGHAUSEN DISEASE. Identifiers: Orphanet 636, MedGen C0027831, MONDO:0018975, OMIM 162200. Disease mechanism: loss of function.

Submissions (10):

CeGaT Center for Human Genetics Tuebingen
Classification: Likely pathogenic. Last evaluated: 2026-07-01. Review status: criteria provided, single submitter. Criteria: CeGaT Center For Human Genetics Tuebingen Variant Classification Criteria Version 2. Collection method: clinical testing. Allele origin: germline. Affected: yes. Observed: 1 variant allele.
Comment: NF1: PM2, PM6, PS4:Moderate, PP2, PP4

Labcorp Genetics (formerly Invitae), Labcorp
Classification: Pathogenic for Neurofibromatosis, type 1. Last evaluated: 2025-09-02. Review status: criteria provided, single submitter. Criteria: Invitae Variant Classification Sherloc (09022015). Collection method: clinical testing. Allele origin: germline.
Comment: This sequence change replaces glycine, which is neutral and non-polar, with arginine, which is basic and polar, at codon 2376 of the NF1 protein (p.Gly2376Arg). This variant also falls at the last nucleotide of exon 47, which is part of the consensus splice site for this exon. This variant is not present in population databases (gnomAD no frequency). This missense change has been observed in individual(s) with neurofibromatosis type 1 (NF1) (PMID: 26056819, 28961165, 30290804, 37751797). In at least one individual the variant was observed to be de novo. This variant is also known as c.7189G>A. ClinVar contains an entry for this variant (Variation ID: 431686). An algorithm developed to predict the effect of missense changes on protein structure and function (PolyPhen-2) suggests that this variant is likely to be disruptive. Variants that disrupt the consensus splice site are a relatively common cause of aberrant splicing (PMID: 17576681, 9536098). Algorithms developed to predict the effect of sequence changes on RNA splicing suggest that this variant may disrupt the consensus splice site. For these reasons, this variant has been classified as Pathogenic.

Medical Genetics, University of Parma
Classification: Likely pathogenic for Neurofibromatosis, type 1. Last evaluated: 2022-08-17. Review status: criteria provided, single submitter. Criteria: ACMG Guidelines, 2015. Collection method: clinical testing. Allele origin: germline. Inheritance: Autosomal dominant inheritance. Affected: yes.

Institute of Human Genetics, University of Leipzig Medical Center
Classification: Likely pathogenic for Neurofibromatosis, type 1. Last evaluated: 2022-07-25. Review status: criteria provided, single submitter. Criteria: ACMG Guidelines, 2015. Collection method: clinical testing. Allele origin: unknown. Affected: yes.
Comment: _x000D_ Criteria applied: PVS1_MOD, PS4_MOD, PM5_SUP, PP4

Genome-Nilou Lab
Classification: Likely pathogenic for Neurofibromatosis, type 1. Last evaluated: 2022-03-15. Review status: criteria provided, single submitter. Criteria: ACMG Guidelines, 2015. Collection method: clinical testing. Allele origin: germline. Affected: no.

GeneDx
Classification: Likely pathogenic. Last evaluated: 2022-02-10. Review status: criteria provided, single submitter. Criteria: GeneDx Variant Classification Process June 2021. Collection method: clinical testing. Allele origin: germline. Affected: yes.
Comment: In silico analysis supports a deleterious effect on splicing; In silico analysis supports that this missense variant has a deleterious effect on protein structure/function; Not observed at significant frequency in large population cohorts (gnomAD); This variant is associated with the following publications: (PMID: 30290804, 26056819, 28961165, 25486365)

Ambry Genetics
Classification: Pathogenic for Cardiovascular phenotype; Hereditary cancer-predisposing syndrome. Last evaluated: 2021-04-02. Review status: criteria provided, single submitter. Criteria: Ambry Variant Classification Scheme 2023. Collection method: clinical testing. Allele origin: germline.
Comment: The c.7126G>A pathogenic mutation (also known as p.G2376R), located in coding exon 47 of the NF1 gene, results from a G to A substitution at nucleotide position 7126. The amino acid change results in glycine to arginine at codon 2376, an amino acid with dissimilar properties. However, this change occurs in the last base pair of coding exon 47, which makes it likely to have some effect on normal mRNA splicing. In silico splice site analysis predicts that this alteration will weaken the native splice donor site; however, direct evidence is insufficient at this time (Ambry internal data). This mutation has been reported in multiple individuals with a clinical diagnosis or suspicion of neurofibromatosis type 1 (Zhang J et al. Sci Rep, 2015 Jun;5:11291; Bonatti F et al. Int J Mol Sci, 2017 Sep;18:; Kang E et al. J Hum Genet, 2020 Jan;65:79-89; Ambry internal data). This variant was not reported in population-based cohorts in the Genome Aggregation Database (gnomAD). Based on the supporting evidence, this alteration is interpreted as a disease-causing mutation.

Institute of Human Genetics Munich, TUM University Hospital
Classification: Pathogenic for Neurofibromatosis, type 1. Last evaluated: 2021-02-16. Review status: criteria provided, single submitter. Criteria: Classification criteria August 2017. Collection method: clinical testing. Allele origin: germline. Inheritance: Autosomal dominant inheritance. Affected: yes. Observed: 1 variant allele.

Mendelics
Classification: Pathogenic for Neurofibromatosis, type 1. Last evaluated: 2019-05-28. Review status: criteria provided, single submitter. Criteria: Mendelics Assertion Criteria 2017. Collection method: clinical testing. Allele origin: unknown.

Juno Genomics, Hangzhou Juno Genomics, Inc
Classification: Likely pathogenic for Neurofibromatosis, type 1. Review status: criteria provided, single submitter. Criteria: ACMG Guidelines, 2015. Collection method: clinical testing. Allele origin: germline. Affected: yes.
Comment: Absent from controls (or at extremely low frequency if recessive) in Genome Aggregation Database, Exome Sequencing Project, 1000 Genomes Project, or Exome Aggregation Consortium.;Multiple lines of computational evidence support a deleterious effect on the gene or gene product (conservation, evolutionary, splicing impact, etc).;Missense variant in a gene that has a low rate of benign missense variation and where missense variants are a common mechanism of disease.;The prevalence of the variant in affected individuals is significantly increased compared to the prevalence in controls.;Patient's phenotype or family history is highly specific for a disease with a single genetic etiology.

Literature cited by the submitters: PubMed 26056819 (cited by Labcorp Genetics (formerly Invitae), Labcorp); PubMed 28961165 (cited by Labcorp Genetics (formerly Invitae), Labcorp); PubMed 30290804 (cited by Labcorp Genetics (formerly Invitae), Labcorp); PubMed 37751797 (cited by Labcorp Genetics (formerly Invitae), Labcorp); PubMed 17576681 (cited by Labcorp Genetics (formerly Invitae), Labcorp); PubMed 9536098 (cited by Labcorp Genetics (formerly Invitae), Labcorp).